The following is an entry in ClinVar:

ClinVar aggregate classification (germline): Benign (1 of 4 stars; one submission).

Allele frequency attached by ClinVar (database versions not stated): gnomAD exomes 0.39243; gnomAD 0.42054 and 0.42458; TOPMed 0.43544; 1000 Genomes Project 0.47264; 1000 Genomes Project 30x 0.47392.
gnomAD v4.1: 421,435 of 1,061,076 alleles (40%); highest among the groups gnomAD compares: Admixed American, 59%; 86,951 homozygotes.

Submission:

GeneDx
Classification: Benign. Last evaluated: 2018-06-14. Review status: criteria provided, single submitter. Criteria: GeneDx Variant Classification (06012015). Collection method: clinical testing. Allele origin: germline. Affected: yes.
Comment: This variant is considered likely benign or benign based on one or more of the following criteria: it is a conservative change, it occurs at a poorly conserved position in the protein, it is predicted to be benign by multiple in silico algorithms, and/or has population frequency not consistent with disease.

NM_020433.5(JPH2):c.379+130T>C

Gene: JPH2 (junctophilin 2; minus strand). Cytogenetic location: 20q13.12.
Variant type: single nucleotide variant.
Coding change: c.379+130T>C on transcript NM_020433.5 (MANE Select); 130 bases into the intron after coding-DNA position 379, T replaced by C.
Molecular consequence: intron variant.
Genome position (GRCh38, 1-based): chr20:44,186,197, A>G on the plus strand (T>C on the coding strand, the complement: JPH2 is on the minus strand). VCF-style: chr20-44186197-A-G. GRCh37 (hg19) VCF-style: chr20-42814837-A-G.
Other names: c.379+130T>C (NM_175913.4).
Identifiers: ClinVar variation 672700 (VCV000672700.1), dbSNP rs6031441, ClinGen allele CA14839472.